The following is an entry in ClinVar:

NM_014208.3(DSPP):c.1686T>C (p.Asp562=)

Genes: DMP1-AS1 (DMP1 and DSPP antisense RNA 1; minus strand), DSPP (dentin sialophosphoprotein; plus strand). Cytogenetic location: 4q22.1.
Variant type: single nucleotide variant.
Coding change: c.1686T>C on transcript NM_014208.3 (MANE Select); coding-DNA position 1686, T replaced by C.
Protein change: p.Asp562=; no amino-acid change (aspartic acid 562 retained).
Molecular consequence: synonymous variant.
Genome position (GRCh38, 1-based): chr4:87,614,348, T>C. VCF-style: chr4-87614348-T-C. GRCh37 (hg19) VCF-style: chr4-88535500-T-C.
Identifiers: ClinVar variation 4982090 (VCV004982090.1).

ClinVar aggregate classification (germline): Likely benign (1 of 4 stars; one submission).

Conditions:
DSPP-related disorder. Also called: DSPP-related condition.

gnomAD v4.1: 1,385 of 1,604,362 alleles (0.086%); highest among the groups gnomAD compares: Non-Finnish European, 0.11%; 1 homozygote.

Submission:

PreventionGenetics, part of Exact Sciences
Classification: Likely benign for DSPP-related condition. Last evaluated: 2024-11-17. Review status: criteria provided, single submitter. Criteria: ACMG Guidelines, 2015. Collection method: clinical testing. Allele origin: germline.
Comment: This variant is classified as likely benign based on ACMG/AMP sequence variant interpretation guidelines (Richards et al. 2015 PMID: 25741868, with internal and published modifications).